The following is an entry in ClinVar:

NM_002968.3(SALL1):c.3947A>G (p.Glu1316Gly)

Gene: SALL1 (spalt like transcription factor 1; minus strand). Cytogenetic location: 16q12.1.
Variant type: single nucleotide variant.
Coding change: c.3947A>G on transcript NM_002968.3 (MANE Select); coding-DNA position 3947, A replaced by G.
Protein change: p.Glu1316Gly; replaces glutamic acid 1316 with glycine.
Molecular consequence: missense variant.
Genome position (GRCh38, 1-based): chr16:51,137,140, T>C on the plus strand (A>G on the coding strand, the complement: SALL1 is on the minus strand). VCF-style: chr16-51137140-T-C. GRCh37 (hg19) VCF-style: chr16-51171051-T-C.
Other names: c.3656A>G, p.Glu1219Gly (NM_001127892.2); short protein forms E1316G, E1219G.
Identifiers: ClinVar variation 2254095 (VCV002254095.3), dbSNP rs375212546, ClinGen allele CA8052799.

ClinVar aggregate classification (germline): Uncertain significance. Review status: criteria provided, multiple submitters, no conflicts (2 of 4 stars). 2 submissions from 2 submitters: Uncertain significance (2). Last evaluated 2023-11-30.

Conditions:
Inborn genetic diseases. Identifiers: MedGen C0950123, MeSH D030342.

Allele frequency attached by ClinVar (database versions not stated): TOPMed 0.00001; ExAC 0.00002; gnomAD 0.00002; gnomAD exomes 0.00002 and 0.00004; ESP Exome Variant Server 0.00008.

Submissions (2):

GeneDx
Classification: Uncertain significance. Last evaluated: 2023-11-30. Review status: criteria provided, single submitter. Criteria: GeneDx Variant Classification Process June 2021. Collection method: clinical testing. Allele origin: germline. Affected: yes.
Comment: In silico analysis supports that this missense variant has a deleterious effect on protein structure/function; Has not been previously published as pathogenic or benign to our knowledge

Ambry Genetics
Classification: Uncertain significance for Inborn genetic diseases. Last evaluated: 2021-10-06. Review status: criteria provided, single submitter. Criteria: Ambry Variant Classification Scheme 2023. Collection method: clinical testing. Allele origin: germline.